The following is an entry in ClinVar:

NM_020699.4(GATAD2B):c.1135T>C (p.Phe379Leu)

Gene: GATAD2B (GATA zinc finger domain containing 2B; minus strand). Cytogenetic location: 1q21.3.
Variant type: single nucleotide variant.
Coding change: c.1135T>C on transcript NM_020699.4 (MANE Select); coding-DNA position 1135, T replaced by C.
Protein change: p.Phe379Leu; replaces phenylalanine 379 with leucine.
Molecular consequence: missense variant.
Genome position (GRCh38, 1-based): chr1:153,816,354, A>G on the plus strand (T>C on the coding strand, the complement: GATAD2B is on the minus strand). VCF-style: chr1-153816354-A-G. GRCh37 (hg19) VCF-style: chr1-153788830-A-G.
Other names: short protein forms F379L.
Identifiers: ClinVar variation 3658624 (VCV003658624.2).

ClinVar aggregate classification (germline): Uncertain significance (1 of 4 stars; one submission).

Submission:

Labcorp Genetics (formerly Invitae), Labcorp
Classification: Uncertain significance. Last evaluated: 2024-07-03. Review status: criteria provided, single submitter. Criteria: Invitae Variant Classification Sherloc (09022015). Collection method: clinical testing. Allele origin: germline.
Comment: This sequence change replaces phenylalanine, which is neutral and non-polar, with leucine, which is neutral and non-polar, at codon 379 of the GATAD2B protein (p.Phe379Leu). This variant is not present in population databases (gnomAD no frequency). This variant has not been reported in the literature in individuals affected with GATAD2B-related conditions. Advanced modeling of protein sequence and biophysical properties (such as structural, functional, and spatial information, amino acid conservation, physicochemical variation, residue mobility, and thermodynamic stability) performed at Invitae indicates that this missense variant is expected to disrupt GATAD2B protein function with a positive predictive value of 80%. In summary, the available evidence is currently insufficient to determine the role of this variant in disease. Therefore, it has been classified as a Variant of Uncertain Significance.